The following is an entry in ClinVar:

NM_000518.5(HBB):c.315+16G>C

Genes: HBB (hemoglobin subunit beta; minus strand), LOC107133510 (origin of replication at HBB; plus strand), LOC110006319 (beta-globin gene 3' regulatory region; plus strand). Cytogenetic location: 11p15.4.
Variant type: single nucleotide variant.
Coding change: c.315+16G>C on transcript NM_000518.5 (MANE Select); 16 bases into the intron after coding-DNA position 315, G replaced by C.
Molecular consequence: intron variant.
Genome position (GRCh38, 1-based): chr11:5,226,561, C>G on the plus strand (G>C on the coding strand, the complement: HBB is on the minus strand). VCF-style: chr11-5226561-C-G. GRCh37 (hg19) VCF-style: chr11-5247791-C-G.
Other names: IVS-II-16 G<C; IVS II-16 (G>C); IVS-II-16.
Identifiers: ClinVar variation 256345 (VCV000256345.36), dbSNP rs10768683, ClinGen allele CA5839731.

ClinVar aggregate classification (germline): Benign/Likely benign. Review status: criteria provided, multiple submitters, no conflicts (2 of 4 stars). 12 submissions from 12 submitters: Benign (7); Likely benign (2). 3 of the submissions do not count toward it. Last evaluated 2026-02-04.

Conditions:
beta Thalassemia (BTHAL). Also called: Cooley's anemia; Erythroblastic anemia; Mediterranean anemia. Identifiers: Orphanet 848, MedGen C0005283, MONDO:0019402. Disease mechanism: loss of function.

Allele frequency attached by ClinVar (database versions not stated): 1000 Genomes Project 0.72005; gnomAD exomes 0.76507; gnomAD 0.81748 and 0.82893; ExAC 0.76990; TOPMed 0.82179; ESP Exome Variant Server 0.85090; 1000 Genomes Project 30x 0.72314.
gnomAD v4.1: 1,315,280 of 1,609,510 alleles (82%); highest among the groups gnomAD compares: African/African-American, 88%; 542,678 homozygotes.

Submissions (12):

Labcorp Genetics (formerly Invitae), Labcorp
Classification: Benign. Last evaluated: 2026-02-04. Review status: criteria provided, single submitter. Criteria: Invitae Variant Classification Sherloc (09022015). Collection method: clinical testing. Allele origin: germline.

ARUP Laboratories, Molecular Genetics and Genomics, ARUP Laboratories
Classification: Benign. Last evaluated: 2025-07-31. Review status: criteria provided, single submitter. Criteria: ARUP Molecular Germline Variant Investigation Process 2024. Collection method: clinical testing. Allele origin: germline.

Blueprint Genetics
Classification: Benign. Last evaluated: 2024-11-27. Review status: criteria provided, single submitter. Criteria: ACMG Guidelines, 2015. Collection method: clinical testing. Allele origin: germline.

Genetics Laboratory, Al-Manara University for Medical Sciences
Classification: Benign for beta Thalassemia. Last evaluated: 2024-05-24. Review status: criteria provided, single submitter. Criteria: ACMG Guidelines, 2015. Collection method: research. Allele origin: germline.
Comment: The HBB:c.315+16G>C (IVS-II-16 G>C) variant in the HBB gene (NM_000518.5) is located in intron 2 and splices a distance of about 16 bases to the nearest splice site. According to the applied ACMG/AMP criteria, which include BA1_Stand alone, BP6S_trong, and BP4_Supporting, this variant meets the criteria for benign beta thalassemia. ClinVar (Accessions: SCV000304630.1, SCV001721537.5, SCV000603886.9, SCV001138215.1, SCV000864063.2, and more) has reported this variant as benign.

Genome-Nilou Lab
Classification: Benign for Beta-thalassemia HBB/LCRB. Last evaluated: 2021-07-01. Review status: criteria provided, single submitter. Criteria: ACMG Guidelines, 2015. Collection method: clinical testing. Allele origin: germline. Affected: no.

Mendelics
Classification: Likely benign for Beta-thalassemia HBB/LCRB. Last evaluated: 2019-05-28. Review status: criteria provided, single submitter. Criteria: Mendelics Assertion Criteria 2017. Collection method: clinical testing. Allele origin: unknown.

GeneDx
Classification: Benign. Last evaluated: 2015-03-03. Review status: criteria provided, single submitter. Criteria: GeneDx Variant Classification Process June 2021. Collection method: clinical testing. Allele origin: germline. Affected: yes.

Breakthrough Genomics
Classification: Likely benign. Review status: criteria provided, single submitter. Criteria: ACMG Guidelines, 2015. Collection method: not provided. Allele origin: germline. Inheritance: Autosomal recessive inheritance. Affected: yes.

PreventionGenetics, part of Exact Sciences
Classification: Benign. Review status: criteria provided, single submitter. Criteria: ACMG Guidelines, 2015. Collection method: clinical testing. Allele origin: germline.

Natera, Inc.
Classification: Benign for Beta thalassemia. Last evaluated: 2020-09-16. Review status: no assertion criteria provided. Collection method: clinical testing. Allele origin: germline. Not counted in ClinVar's aggregate classification.

The ITHANET community portal, The Cyprus Institute of Neurology and Genetics
Classification: Benign for beta Thalassemia. Last evaluated: 2019-11-25. Review status: no assertion criteria provided. Collection method: curation. Allele origin: germline. Not counted in ClinVar's aggregate classification.

College of Science, Al Muthanna University, Al Muthanna University
Classification: Benign for beta Thalassemia. Last evaluated: 2018-01-01. Review status: no assertion criteria provided. Collection method: research. Allele origin: germline. Not counted in ClinVar's aggregate classification.

Literature cited by the submitters: PubMed 30849277 (cited by Genetics Laboratory, Al-Manara University for Medical Sciences); PubMed 31714438 (cited by Genetics Laboratory, Al-Manara University for Medical Sciences and College of Science, Al Muthanna University, Al Muthanna University); PubMed 24099628 (cited by Genetics Laboratory, Al-Manara University for Medical Sciences and The ITHANET community portal, The Cyprus Institute of Neurology and Genetics); PubMed 18829352 (cited by Genetics Laboratory, Al-Manara University for Medical Sciences and The ITHANET community portal, The Cyprus Institute of Neurology and Genetics); PubMed 22896714 (cited by Genetics Laboratory, Al-Manara University for Medical Sciences and The ITHANET community portal, The Cyprus Institute of Neurology and Genetics); PubMed 22392582 (cited by Genetics Laboratory, Al-Manara University for Medical Sciences and The ITHANET community portal, The Cyprus Institute of Neurology and Genetics); PubMed 23606168 (cited by Genetics Laboratory, Al-Manara University for Medical Sciences and The ITHANET community portal, The Cyprus Institute of Neurology and Genetics); PubMed 28800727 (cited by Genetics Laboratory, Al-Manara University for Medical Sciences and The ITHANET community portal, The Cyprus Institute of Neurology and Genetics).